The following is an entry in ClinVar:

ClinVar aggregate classification (germline): Conflicting classifications of pathogenicity. Review status: criteria provided, conflicting classifications (1 of 4 stars). 3 submissions from 3 submitters: Uncertain significance (2); Likely benign (1). Last evaluated 2022-04-13.

Conditions:
Upshaw-Schulman syndrome (TTP). Also called: Congenital thrombotic thrombocytopenic purpura; THROMBOTIC THROMBOCYTOPENIC PURPURA, HEREDITARY. Identifiers: Orphanet 93583, MedGen C1268935, MONDO:0010122, OMIM 274150.

Allele frequency attached by ClinVar (database versions not stated): TOPMed 0.00001; gnomAD 0.00005; gnomAD exomes 0.00010 and 0.00017; ExAC 0.00015; 1000 Genomes Project 30x 0.00078; 1000 Genomes Project 0.00100.

Submissions (3):

Labcorp Genetics (formerly Invitae), Labcorp
Classification: Uncertain significance. Last evaluated: 2022-04-13. Review status: criteria provided, single submitter. Criteria: Invitae Variant Classification Sherloc (09022015). Collection method: clinical testing. Allele origin: germline.
Comment: This sequence change replaces glutamine, which is neutral and polar, with lysine, which is basic and polar, at codon 723 of the ADAMTS13 protein (p.Gln723Lys). This variant is present in population databases (rs138014548, gnomAD 0.1%). This missense change has been observed in individual(s) with Upshaw-Schulman syndrome (PMID: 21781265). ClinVar contains an entry for this variant (Variation ID: 225292). Algorithms developed to predict the effect of missense changes on protein structure and function (SIFT, PolyPhen-2, Align-GVGD) all suggest that this variant is likely to be tolerated. In summary, the available evidence is currently insufficient to determine the role of this variant in disease. Therefore, it has been classified as a Variant of Uncertain Significance.

Illumina Laboratory Services, Illumina
Classification: Likely benign for Upshaw-Schulman syndrome. Last evaluated: 2017-04-27. Review status: criteria provided, single submitter. Criteria: ICSL Variant Classification Criteria 13 December 2019. Collection method: clinical testing. Allele origin: germline.
Comment: This variant was observed as part of a predisposition screen in an ostensibly healthy population. A literature search was performed for the gene, cDNA change, and amino acid change (where applicable). Publications were found based on this search. The evidence from the literature, in combination with allele frequency data from public databases where available, was sufficient to determine this variant is unlikely to cause disease. Therefore, this variant is classified as likely benign.

Soonchunhyang University Bucheon Hospital, Soonchunhyang University Medical Center
Classification: Uncertain significance for Upshaw-Schulman syndrome. Last evaluated: 2016-03-18. Review status: criteria provided, single submitter. Criteria: ACMG Guidelines, 2015. Collection method: reference population. Allele origin: germline. Observed: 1 variant allele.

Literature cited by the submitters: PubMed 21781265 (cited by 3 submitters); PubMed 21676167 (cited by Illumina Laboratory Services, Illumina); PubMed 23346910 (cited by Soonchunhyang University Bucheon Hospital, Soonchunhyang University Medical Center).

NM_139027.6(ADAMTS13):c.2167C>A (p.Gln723Lys)

Gene: ADAMTS13 (ADAM metallopeptidase with thrombospondin type 1 motif 13; plus strand). Cytogenetic location: 9q34.2.
Variant type: single nucleotide variant.
Coding change: c.2167C>A on transcript NM_139027.6 (MANE Select); coding-DNA position 2167, C replaced by A.
Protein change: p.Gln723Lys; replaces glutamine 723 with lysine.
Molecular consequence: missense variant.
Genome position (GRCh38, 1-based): chr9:133,442,676, C>A. VCF-style: chr9-133442676-C-A. GRCh37 (hg19) VCF-style: chr9-136307797-C-A.
Other names: c.2167C>A, p.Gln723Lys (NM_139025.5); c.2074C>A, p.Gln692Lys (NM_139026.6); short protein forms Q723K, Q692K.
Identifiers: ClinVar variation 225292 (VCV000225292.10), dbSNP rs138014548, ClinGen allele CA200934097.